The following is an entry in ClinVar:

NM_017514.5(PLXNA3):c.4488G>A (p.Lys1496=)

Gene: PLXNA3 (plexin A3; plus strand). Cytogenetic location: Xq28.
Variant type: single nucleotide variant.
Coding change: c.4488G>A on transcript NM_017514.5 (MANE Select); coding-DNA position 4488, G replaced by A.
Protein change: p.Lys1496=; no amino-acid change (lysine 1496 retained).
Molecular consequence: synonymous variant.
Genome position (GRCh38, 1-based): chrX:154,469,109, G>A. VCF-style: chrX-154469109-G-A. GRCh37 (hg19) VCF-style: chrX-153697452-G-A.
Identifiers: ClinVar variation 3354832 (VCV003354832.1).

ClinVar aggregate classification (germline): Likely benign (0 of 4 stars; one submission).

Conditions:
PLXNA3-related disorder. Also called: PLXNA3-related condition.

Submission:

PreventionGenetics, part of Exact Sciences
Classification: Likely benign for PLXNA3-related condition. Last evaluated: 2022-01-25. Review status: no assertion criteria provided. Collection method: clinical testing. Allele origin: germline.
Comment: This variant is classified as likely benign based on ACMG/AMP sequence variant interpretation guidelines (Richards et al. 2015 PMID: 25741868, with internal and published modifications).